The following is an entry in ClinVar:

ClinVar aggregate classification (germline): Conflicting classifications of pathogenicity. Review status: criteria provided, conflicting classifications (1 of 4 stars). 4 submissions from 4 submitters: Uncertain significance (2); Likely benign (2). Last evaluated 2025-12-08.

Conditions:
Hereditary cancer-predisposing syndrome. Also called: Hereditary neoplastic syndrome; Tumor predisposition; Neoplastic Syndromes, Hereditary; Hereditary Cancer Syndrome. Identifiers: Orphanet 140162, MedGen C0027672, MeSH D009386, MONDO:0015356.
Cardiovascular phenotype. Identifiers: MedGen CN230736.
Neurofibromatosis, type 1 (NF1). Also called: Neurofibromatosis, type I; VON RECKLINGHAUSEN DISEASE; Peripheral type neurofibromatosis; NEUROFIBROMATOSIS, TYPE I, SOMATIC. Identifiers: Orphanet 636, MedGen C0027831, MONDO:0018975, OMIM 162200. Disease mechanism: loss of function.

Allele frequency attached by ClinVar (database versions not stated): gnomAD 0.00001; gnomAD exomes 0.00001.
gnomAD v4.1: 9 of 1,613,518 alleles (0.00056%); highest among the groups gnomAD compares: East Asian, 0.0045%; no homozygotes.

Submissions (4):

Labcorp Genetics (formerly Invitae), Labcorp
Classification: Likely benign for Neurofibromatosis, type 1. Last evaluated: 2025-12-08. Review status: criteria provided, single submitter. Criteria: Invitae Variant Classification Sherloc (09022015). Collection method: clinical testing. Allele origin: germline.

Genome-Nilou Lab
Classification: Uncertain significance for Neurofibromatosis, type 1. Last evaluated: 2022-03-15. Review status: criteria provided, single submitter. Criteria: ACMG Guidelines, 2015. Collection method: clinical testing. Allele origin: germline. Affected: no.

Ambry Genetics
Classification: Likely benign for Cardiovascular phenotype; Hereditary cancer-predisposing syndrome. Last evaluated: 2021-08-25. Review status: criteria provided, single submitter. Criteria: Ambry Variant Classification Scheme 2023. Collection method: clinical testing. Allele origin: germline.

Sema4
Classification: Uncertain significance for Hereditary cancer-predisposing syndrome. Last evaluated: 2021-08-19. Review status: criteria provided, single submitter. Criteria: Sema4 Curation Guidelines. Collection method: curation. Allele origin: germline.
Comment: To the best of our knowledge, the NF1 c.6654A>G (p.Q2218=) variant has not been reported in individuals with NF1-related disease. It was not observed in the large and broad cohorts of the Genome Aggregation Database (PMID: 32461654). The variant has been reported in ClinVar (Variation ID 856177). In silico tools suggest that the variant may have an impact on splicing, though these predictions have not been confirmed by functional studies. The evidence is insufficient to meet ACMG/AMP criteria for classifying the variant as benign or pathogenic. Thus, the clinical significance of this variant is currently uncertain.

NM_001042492.3(NF1):c.6717A>G (p.Gln2239=)

Gene: NF1 (neurofibromin 1; plus strand). Cytogenetic location: 17q11.2.
Variant type: single nucleotide variant.
Coding change: c.6717A>G on transcript NM_001042492.3 (MANE Select); coding-DNA position 6717, A replaced by G.
Protein change: p.Gln2239=; no amino-acid change (glutamine 2239 retained).
Molecular consequence: synonymous variant.
Genome position (GRCh38, 1-based): chr17:31,338,037, A>G. VCF-style: chr17-31338037-A-G. GRCh37 (hg19) VCF-style: chr17-29665055-A-G.
Other names: c.6654A>G, p.Gln2218= (NM_000267.4).
Identifiers: ClinVar variation 856177 (VCV000856177.11), dbSNP rs2069724967, ClinGen allele CA499234251.